The following is an entry in ClinVar:

ClinVar aggregate classification (germline): Likely benign (1 of 4 stars; one submission).

Submission:

CeGaT Center for Human Genetics Tuebingen
Classification: Likely benign. Last evaluated: 2026-07-01. Review status: criteria provided, single submitter. Criteria: CeGaT Center For Human Genetics Tuebingen Variant Classification Criteria Version 2. Collection method: clinical testing. Allele origin: germline. Affected: yes. Observed: 1 variant allele.
Comment: FBRSL1: PM2:Supporting, BP4, BP7

NM_001367871.1(FBRSL1):c.2406G>T (p.Pro802=)

Gene: FBRSL1 (fibrosin like 1; plus strand). Cytogenetic location: 12q24.33.
Variant type: single nucleotide variant.
Coding change: c.2406G>T on transcript NM_001367871.1 (MANE Select); coding-DNA position 2406, G replaced by T.
Protein change: p.Pro802=; no amino-acid change (proline 802 retained).
Molecular consequence: synonymous variant.
Genome position (GRCh38, 1-based): chr12:132,583,175, G>T. VCF-style: chr12-132583175-G-T. GRCh37 (hg19) VCF-style: chr12-133159761-G-T.
Other names: c.2535G>T, p.Pro845= (NM_001142641.2); c.2460G>T, p.Pro820= (NM_001382739.1); c.1785G>T, p.Pro595= (NM_001382740.1).
Identifiers: ClinVar variation 5040228 (VCV005040228.1).